The following is an entry in ClinVar:

NM_000505.4(F12):c.1343G>A (p.Arg448His)

Gene: F12 (coagulation factor XII; minus strand). Cytogenetic location: 5q35.3.
Variant type: single nucleotide variant.
Coding change: c.1343G>A on transcript NM_000505.4 (MANE Select); coding-DNA position 1343, G replaced by A.
Protein change: p.Arg448His; replaces arginine 448 with histidine.
Molecular consequence: missense variant.
Genome position (GRCh38, 1-based): chr5:177,403,525, C>T on the plus strand (G>A on the coding strand, the complement: F12 is on the minus strand). VCF-style: chr5-177403525-C-T. GRCh37 (hg19) VCF-style: chr5-176830526-C-T.
Other names: short protein forms R448H.
Identifiers: ClinVar variation 2870911 (VCV002870911.3), dbSNP rs1483262492, ClinGen allele CA362325716.

ClinVar aggregate classification (germline): Uncertain significance (1 of 4 stars; one submission).

Allele frequency attached by ClinVar (database versions not stated): TOPMed below 0.00001; gnomAD 0.00001.
gnomAD v4.1: 3 of 1,586,612 alleles (0.00019%); highest among the groups gnomAD compares: African/African-American, 0.0013%; no homozygotes.

Submission:

Labcorp Genetics (formerly Invitae), Labcorp
Classification: Uncertain significance. Last evaluated: 2024-10-14. Review status: criteria provided, single submitter. Criteria: Invitae Variant Classification Sherloc (09022015). Collection method: clinical testing. Allele origin: germline.
Comment: This sequence change replaces arginine, which is basic and polar, with histidine, which is basic and polar, at codon 448 of the F12 protein (p.Arg448His). This variant is not present in population databases (gnomAD no frequency). This variant has not been reported in the literature in individuals affected with F12-related conditions. Invitae Evidence Modeling of protein sequence and biophysical properties (such as structural, functional, and spatial information, amino acid conservation, physicochemical variation, residue mobility, and thermodynamic stability) indicates that this missense variant is not expected to disrupt F12 protein function with a negative predictive value of 80%. In summary, the available evidence is currently insufficient to determine the role of this variant in disease. Therefore, it has been classified as a Variant of Uncertain Significance.